The following is an entry in ClinVar:

ClinVar aggregate classification (germline): Uncertain significance (1 of 4 stars; one submission).

Allele frequency attached by ClinVar (database versions not stated): gnomAD 0.00001; ExAC 0.00004; ESP Exome Variant Server 0.00008.
gnomAD v4.1: 49 of 1,609,638 alleles (0.003%); highest among the groups gnomAD compares: East Asian, 0.038%; 1 homozygote.

Submission:

Labcorp Genetics (formerly Invitae), Labcorp
Classification: Uncertain significance. Last evaluated: 2023-08-04. Review status: criteria provided, single submitter. Criteria: Invitae Variant Classification Sherloc (09022015). Collection method: clinical testing. Allele origin: germline.
Comment: In summary, the available evidence is currently insufficient to determine the role of this variant in disease. Therefore, it has been classified as a Variant of Uncertain Significance. An algorithm developed to predict the effect of missense changes on protein structure and function (PolyPhen-2) suggests that this variant is likely to be disruptive. This variant has not been reported in the literature in individuals affected with WDR11-related conditions. This variant is present in population databases (rs377167358, gnomAD 0.007%). This sequence change replaces arginine, which is basic and polar, with histidine, which is basic and polar, at codon 300 of the WDR11 protein (p.Arg300His).

NM_018117.12(WDR11):c.899G>A (p.Arg300His)

Gene: WDR11 (WD repeat domain 11; plus strand). Cytogenetic location: 10q26.12.
Variant type: single nucleotide variant.
Coding change: c.899G>A on transcript NM_018117.12 (MANE Select); coding-DNA position 899, G replaced by A.
Protein change: p.Arg300His; replaces arginine 300 with histidine.
Molecular consequence: missense variant.
Genome position (GRCh38, 1-based): chr10:120,865,649, G>A. VCF-style: chr10-120865649-G-A. GRCh37 (hg19) VCF-style: chr10-122625161-G-A.
Other names: short protein forms R300H.
Identifiers: ClinVar variation 2957788 (VCV002957788.3), dbSNP rs377167358, ClinGen allele CA5719568.